The following is an entry in ClinVar:

NM_000245.4(MET):c.3921C>A (p.Tyr1307Ter)

Gene: MET (MET proto-oncogene, receptor tyrosine kinase; plus strand). Cytogenetic location: 7q31.2.
Variant type: single nucleotide variant.
Coding change: c.3921C>A on transcript NM_000245.4 (MANE Select); coding-DNA position 3921, C replaced by A.
Protein change: p.Tyr1307Ter; replaces tyrosine 1307 with a stop codon.
Molecular consequence: nonsense.
Genome position (GRCh38, 1-based): chr7:116,795,777, C>A. VCF-style: chr7-116795777-C-A. GRCh37 (hg19) VCF-style: chr7-116435831-C-A.
Other names: c.3975C>A, p.Tyr1325Ter (NM_001127500.3); c.2631C>A, p.Tyr877Ter (NM_001324402.2); short protein forms Y1307*, Y1325*, Y877*.
Identifiers: ClinVar variation 4715786 (VCV004715786.1).

ClinVar aggregate classification (germline): Uncertain significance (1 of 4 stars; one submission).

Conditions:
Renal cell carcinoma. Identifiers: Orphanet 217071, MedGen C0007134, MeSH D002292, MONDO:0005086, HP:0005584.

Submission:

Labcorp Genetics (formerly Invitae), Labcorp
Classification: Uncertain significance for Renal cell carcinoma. Last evaluated: 2025-03-24. Review status: criteria provided, single submitter. Criteria: Invitae Variant Classification Sherloc (09022015). Collection method: clinical testing. Allele origin: germline.
Comment: This sequence change creates a premature translational stop signal (p.Tyr1325*) in the MET gene. While this is not anticipated to result in nonsense mediated decay, it is expected to disrupt the last 84 amino acid(s) of the MET protein. This variant is not present in population databases (gnomAD no frequency). This variant has not been reported in the literature in individuals affected with MET-related conditions. Experimental studies and prediction algorithms are not available or were not evaluated, and the functional significance of this variant is currently unknown. In summary, the available evidence is currently insufficient to determine the role of this variant in disease. Therefore, it has been classified as a Variant of Uncertain Significance.